The following is an entry in ClinVar:

ClinVar aggregate classification (germline): Benign (1 of 4 stars; one submission).

Conditions:
MELAS syndrome (MELAS). Also called: Juvenile myopathy, encephalopathy, lactic acidosis, stroke. Identifiers: Orphanet 550, MedGen C0162671, MONDO:0010789, OMIM 540000.

Submission:

Wong Mito Lab, Molecular and Human Genetics, Baylor College of Medicine
Classification: Benign for MELAS syndrome. Last evaluated: 2019-07-12. Review status: criteria provided, single submitter. Criteria: Modified ACMG Guidelines (Unpublished). Collection method: clinical testing. Allele origin: germline.
Comment: The NC_012920.1:m.5811A>G variant in MT-TC gene is interpreted to be a Benign variant based on the modified ACMG guidelines (unpublished). This variant meets the following evidence codes reported in the guidelines: BS1, BS2, BP4

Literature cited by the submitters: PubMed 31965079.

NC_012920.1(MT-TC):m.5811A>G

Gene: MT-TC (mitochondrially encoded tRNA cysteine; minus strand).
Variant type: single nucleotide variant.
Genome position: chrM-5811-A-G.
Identifiers: ClinVar variation 690001 (VCV000690001.1), dbSNP rs1603220136, ClinGen allele CA913180530.
Genomic context (GRCh38, chrMT:5,811, plus strand): 5'-AAGGCGGGAGAAGCCCCGGCAGGTTTGAAGCTGCTTCTTCGAATTTGCAATTCAATATGA[A>G]AATCACCTCGGAGCTGGTAAAAAGAGGCCTAACCCCTGTCTTTAGATTTACAGTCCAATG-3'